The following is an entry in ClinVar:

ClinVar aggregate classification (germline): Uncertain significance. Review status: criteria provided, single submitter (1 of 4 stars). 2 submissions from 2 submitters: Uncertain significance (1). 1 of the submissions does not count toward it. Last evaluated 2023-11-13.

Conditions:
Hereditary cancer-predisposing syndrome. Also called: Hereditary Cancer Syndrome; Neoplastic Syndromes, Hereditary; Hereditary neoplastic syndrome; Tumor predisposition. Identifiers: Orphanet 140162, MedGen C0027672, MeSH D009386, MONDO:0015356.
Breast-ovarian cancer, familial, susceptibility to, 1 (BROVCA1). Also called: BRCA1 Hereditary Breast and Ovarian Cancer; OVARIAN CANCER, SUSCEPTIBILITY TO. Identifiers: Orphanet 145, MedGen C2676676, MONDO:0011450, OMIM 604370. Disease mechanism: loss of function.

Submissions (2):

Ambry Genetics
Classification: Uncertain significance for Hereditary cancer-predisposing syndrome. Last evaluated: 2023-11-13. Review status: criteria provided, single submitter. Criteria: Ambry Variant Classification Scheme 2023. Collection method: clinical testing. Allele origin: germline.
Comment: The p.Q206P variant (also known as c.617A>C), located in coding exon 8 of the BRCA1 gene, results from an A to C substitution at nucleotide position 617. The glutamine at codon 206 is replaced by proline, an amino acid with similar properties. This alteration was identified in an individual diagnosed with breast cancer (Cecener G et al. Cancer Invest, 2014 Oct;32:375-87). This amino acid position is not well conserved in available vertebrate species. In addition, this alteration is predicted to be deleterious by in silico analysis. Since supporting evidence is limited at this time, the clinical significance of this alteration remains unclear.

Sharing Clinical Reports Project (SCRP)
Classification: Uncertain significance for Breast-ovarian cancer, familial 1. Last evaluated: 2010-10-12. Review status: no assertion criteria provided. Collection method: clinical testing. Allele origin: germline. Not counted in ClinVar's aggregate classification.

Literature cited by the submitters: PubMed 24884828 (cited by Ambry Genetics).

NM_007294.4(BRCA1):c.617A>C (p.Gln206Pro)

Gene: BRCA1 (BRCA1 DNA repair associated; minus strand). Cytogenetic location: 17q21.31.
Variant type: single nucleotide variant.
Coding change: c.617A>C on transcript NM_007294.4 (MANE Select); coding-DNA position 617, A replaced by C.
Protein change: p.Gln206Pro; replaces glutamine 206 with proline.
Molecular consequence: missense variant. On other transcripts: non-coding transcript variant (1).
Genome position (GRCh38, 1-based): chr17:43,095,899, T>G on the plus strand (A>C on the coding strand, the complement: BRCA1 is on the minus strand). VCF-style: chr17-43095899-T-G. GRCh37 (hg19) VCF-style: chr17-41247916-T-G.
Other names: 736A>C; c.404A>C, p.Gln135Pro (NM_001407571.1, NM_001407853.1, NM_001407894.1 and 12 more transcripts); c.617A>C, p.Gln206Pro (NM_001407581.1, NM_001407582.1, NM_001407583.1 and 59 more transcripts); c.614A>C, p.Gln205Pro (NM_001407587.1, NM_001407590.1, NM_001407591.1 and 41 more transcripts); c.608A>C, p.Gln203Pro (NM_001407646.1, NM_001407647.1, NM_001408408.1); c.539A>C, p.Gln180Pro (NM_001407653.1, NM_001407654.1, NM_001407655.1 and 9 more transcripts); c.536A>C, p.Gln179Pro (NM_001407659.1, NM_001407660.1, NM_001407661.1 and 3 more transcripts); c.476A>C, p.Gln159Pro (NM_001407692.1, NM_001407694.1, NM_001407695.1 and 43 more transcripts); and 5 more; short protein forms Q206P, Q159P, Q136P, Q161P, Q135P, Q158P, Q203P, Q79P.
Identifiers: ClinVar variation 252888 (VCV000252888.4), dbSNP rs879255494, ClinGen allele CA10586116.
Genomic context (GRCh38, chr17:43,095,899, plus strand): 5'-CCATTACCCTTTTTTGCAGAATCCAAACTGATTTCATCCCTGGTTCCTTGAGGGGTGATT[T>G]GTAACAATTCTTGATCTCCCACACTATAGGGAAAAGACAGAGTCCTAATAAGAAACACTA-3'
Protein context (NP_009225.1, residues 196-216): YCSVGDQELL[Gln206Pro]ITPQGTRDEI